The following is an entry in ClinVar:

ClinVar aggregate classification (germline): Uncertain significance. Review status: criteria provided, multiple submitters, no conflicts (2 of 4 stars). 3 submissions from 3 submitters: Uncertain significance (3). Last evaluated 2023-06-08.

Conditions:
Hypertrophic cardiomyopathy. Also called: HYPERTROPHIC MYOCARDIOPATHY. Identifiers: Orphanet 217569, MedGen C0007194, MeSH D002312, MONDO:0005045, HP:0001639.
Cardiomyopathy (CMYO). Also called: Cardiomyopathies. Identifiers: Orphanet 167848, MedGen C0878544, MONDO:0004994, HP:0001638. Inheritance: Various modes of inheritance.

Submissions (3):

All of Us Research Program, National Institutes of Health
Classification: Uncertain significance for Cardiomyopathy. Last evaluated: 2023-06-08. Review status: criteria provided, single submitter. Criteria: ACMG Guidelines, 2015. Collection method: clinical testing. Allele origin: germline. Inheritance: Autosomal dominant inheritance. Observed: 1 variant allele, 1 heterozygote.
Comment: This variant inserts 1 nucleotide in exon 15 of the MYH7 gene, creating a frameshift and premature translation stop signal. This variant is expected to result in an absent or non-functional protein product. To our knowledge, this variant has not been reported in individuals affected with cardiovascular disorders in the literature. This variant has not been identified in the general population by the Genome Aggregation Database (gnomAD). Clinical relevance of loss-of-function MYH7 truncation variants in autosomal dominant cardiovascular disorders is not clearly established. The available evidence is insufficient to determine the role of this variant in disease conclusively. Therefore, this variant is classified as a Variant of Uncertain Significance.

This study involves interpretation of variants in research participants for the purpose of population health screening. Participant phenotype was not available at the time of variant classification. Additional details can be found in publication PMID: 35346344, PMCID: PMC8962531

CeGaT Center for Human Genetics Tuebingen
Classification: Uncertain significance. Last evaluated: 2023-03-01. Review status: criteria provided, single submitter. Criteria: CeGaT Center For Human Genetics Tuebingen Variant Classification Criteria Version 2. Collection method: clinical testing. Allele origin: germline. Affected: yes. Observed: 1 variant allele.
Comment: MYH7: PM2

Labcorp Genetics (formerly Invitae), Labcorp
Classification: Uncertain significance for Hypertrophic cardiomyopathy. Last evaluated: 2022-08-09. Review status: criteria provided, single submitter. Criteria: Invitae Variant Classification Sherloc (09022015). Collection method: clinical testing. Allele origin: germline.
Comment: This sequence change creates a premature translational stop signal (p.Val495Cysfs*18) in the MYH7 gene. It is expected to result in an absent or disrupted protein product. However, the current clinical and genetic evidence is not sufficient to establish whether loss-of-function variants in MYH7 cause disease. This variant is not present in population databases (gnomAD no frequency). This premature translational stop signal has been observed in individual(s) with peripartum cardiomyopathy (PMID: 33874732). ClinVar contains an entry for this variant (Variation ID: 1465335). In summary, the available evidence is currently insufficient to determine the role of this variant in disease. Therefore, it has been classified as a Variant of Uncertain Significance.

Literature cited by the submitters: PubMed 33874732 (cited by Labcorp Genetics (formerly Invitae), Labcorp).

NM_000257.4(MYH7):c.1482dup (p.Val495fs)

Gene: MYH7 (myosin heavy chain 7; minus strand). Cytogenetic location: 14q11.2.
Variant type: Duplication.
Coding change: c.1482dup on transcript NM_000257.4 (MANE Select); coding-DNA position 1482, one base duplicated (T; older notation c.1482dupT).
Protein change: p.Val495fs; shifts the reading frame from valine 495.
Molecular consequence: frameshift variant.
Genome position (GRCh38, 1-based): chr14:23,428,596, A duplicated on the plus strand (T on the coding strand, the reverse complement: MYH7 is on the minus strand); the first of 3 consecutive A bases (chr14:23,428,596-23,428,598); duplicating any one gives the same sequence. VCF-style (leftmost placement, unchanged base first): chr14-23428595-C-CA. GRCh37 (hg19) VCF-style: chr14-23897804-C-CA.
Other names: short protein forms V495fs.
Identifiers: ClinVar variation 1465335 (VCV001465335.28), dbSNP rs1256217972, ClinGen allele CA704296880.
Genomic context (GRCh38, chr14:23,428,595, plus strand): 5'-TGCCAAAGTCAATGAATGTCCACTCGATGCCCTCCTTCTTGTACTCCTCCTGCTCCAGCA[C>CA]AAACATGTGGTGGTTGAAGAACTGCTGCAGCTTCTCGTTGGTGAAGTTGATGCAGAGCTG-3'